The following is an entry in ClinVar:

ClinVar aggregate classification (germline): Uncertain significance. Review status: criteria provided, multiple submitters, no conflicts (2 of 4 stars). 2 submissions from 2 submitters: Uncertain significance (2). Last evaluated 2025-05-14.

Conditions:
Tuberous sclerosis 2 (TSC2). Identifiers: Orphanet 805, MedGen C1860707, MONDO:0013199, OMIM 613254.
Hereditary cancer-predisposing syndrome. Also called: Hereditary Cancer Syndrome; Hereditary neoplastic syndrome; Tumor predisposition; Neoplastic Syndromes, Hereditary. Identifiers: Orphanet 140162, MedGen C0027672, MeSH D009386, MONDO:0015356.

Submissions (2):

Labcorp Genetics (formerly Invitae), Labcorp
Classification: Uncertain significance for Tuberous sclerosis 2. Last evaluated: 2025-05-14. Review status: criteria provided, single submitter. Criteria: Invitae Variant Classification Sherloc (09022015). Collection method: clinical testing. Allele origin: germline.
Comment: This sequence change replaces valine, which is neutral and non-polar, with phenylalanine, which is neutral and non-polar, at codon 170 of the TSC2 protein (p.Val170Phe). This variant is not present in population databases (gnomAD no frequency). This variant has not been reported in the literature in individuals affected with TSC2-related conditions. Invitae Evidence Modeling of protein sequence and biophysical properties (such as structural, functional, and spatial information, amino acid conservation, physicochemical variation, residue mobility, and thermodynamic stability) indicates that this missense variant is not expected to disrupt TSC2 protein function with a negative predictive value of 95%. In summary, the available evidence is currently insufficient to determine the role of this variant in disease. Therefore, it has been classified as a Variant of Uncertain Significance.

Ambry Genetics
Classification: Uncertain significance for Hereditary cancer-predisposing syndrome. Last evaluated: 2025-01-31. Review status: criteria provided, single submitter. Criteria: Ambry Variant Classification Scheme 2023. Collection method: clinical testing. Allele origin: germline.
Comment: The p.V170F variant (also known as c.508G>T), located in coding exon 5 of the TSC2 gene, results from a G to T substitution at nucleotide position 508. The valine at codon 170 is replaced by phenylalanine, an amino acid with highly similar properties. This amino acid position is not well conserved in available vertebrate species. In addition, the in silico prediction for this alteration is inconclusive. Based on the available evidence, the clinical significance of this variant remains unclear.

NM_000548.5(TSC2):c.508G>T (p.Val170Phe)

Gene: TSC2 (TSC complex subunit 2; plus strand). Cytogenetic location: 16p13.3.
Variant type: single nucleotide variant.
Coding change: c.508G>T on transcript NM_000548.5 (MANE Select); coding-DNA position 508, G replaced by T.
Protein change: p.Val170Phe; replaces valine 170 with phenylalanine.
Molecular consequence: missense variant. On other transcripts: 5 prime UTR variant (13), non-coding transcript variant (5), intron variant (6).
Genome position (GRCh38, 1-based): chr16:2,055,428, G>T. VCF-style: chr16-2055428-G-T. GRCh37 (hg19) VCF-style: chr16-2105429-G-T.
Other names: c.508G>T, p.Val170Phe (NM_001114382.3, NM_001077183.3, NM_001363528.2 and 8 more transcripts); c.397G>T, p.Val133Phe (NM_001318827.2, NM_001406670.1, NM_001406678.1); c.361G>T, p.Val121Phe (NM_001318829.2, NM_001406675.1, NM_001406676.1 and 1 more transcripts); c.541G>T, p.Val181Phe (NM_001318832.2); c.598G>T, p.Val200Phe (NM_001406667.1, NM_001406668.1); c.451G>T, p.Val151Phe (NM_001406677.1); c.-309G>T (NM_001406680.1, NM_001406683.1, NM_001406687.1); c.46G>T, p.Val16Phe (NM_001406681.1); and 6 more; short protein forms V170F, V121F, V133F, V181F, V151F, V16F, V200F.
Identifiers: ClinVar variation 3811299 (VCV003811299.2).
Genomic context (GRCh38, chr16:2,055,428, plus strand): 5'-GCGTCCTCGCAAACTGCCGCCGCTTCTCCCCCAGCTGACTTTGTCCTGCAGTGGATGGAT[G>T]TTGGCTTGTCCTCGGAATTCCTTCTGGTGCTGGTGAACTTGGTCAAATTCAATAGCTGTT-3'
Protein context (NP_000539.2, residues 160-180): LADFVLQWMD[Val170Phe]GLSSEFLLVL